The following is an entry in ClinVar:

NM_000257.4(MYH7):c.3797C>G (p.Thr1266Ser)

Gene: MYH7 (myosin heavy chain 7; minus strand). Cytogenetic location: 14q11.2.
Variant type: single nucleotide variant.
Coding change: c.3797C>G on transcript NM_000257.4 (MANE Select); coding-DNA position 3797, C replaced by G.
Protein change: p.Thr1266Ser; replaces threonine 1266 with serine.
Molecular consequence: missense variant.
Genome position (GRCh38, 1-based): chr14:23,419,539, G>C on the plus strand (C>G on the coding strand, the complement: MYH7 is on the minus strand). VCF-style: chr14-23419539-G-C. GRCh37 (hg19) VCF-style: chr14-23888748-G-C.
Other names: c.3797C>G, p.Thr1266Ser (NM_001407004.1); short protein forms T1266S.
Identifiers: ClinVar variation 2433926 (VCV002433926.7), dbSNP rs753486249, ClinGen allele CA389042050.
Genomic context (GRCh38, chr14:23,419,539, plus strand): 5'-TCACCATTCTCGGTTTGCAACTTGGCCCGCTGGCTGGTGAGGTCGTTGACAGAACGCTGG[G>C]TCTCCTCCGCCTTGCTCCGGTGCTCATTCATCTGGTCTTCCAAGGTCCGGCACATCTTCT-3'
Protein context (NP_000248.2, residues 1256-1276): MNEHRSKAEE[Thr1266Ser]QRSVNDLTSQ

ClinVar aggregate classification (germline): Uncertain significance. Review status: criteria provided, multiple submitters, no conflicts (2 of 4 stars). 3 submissions from 3 submitters: Uncertain significance (3). Last evaluated 2025-03-04.

Conditions:
Cardiomyopathy (CMYO). Also called: Cardiomyopathies. Identifiers: Orphanet 167848, MedGen C0878544, MONDO:0004994, HP:0001638. Inheritance: Various modes of inheritance.
Hypertrophic cardiomyopathy. Also called: HYPERTROPHIC MYOCARDIOPATHY. Identifiers: Orphanet 217569, MedGen C0007194, MeSH D002312, MONDO:0005045, HP:0001639.

Allele frequency attached by ClinVar (database versions not stated): TOPMed below 0.00001.

Submissions (3):

Labcorp Genetics (formerly Invitae), Labcorp
Classification: Uncertain significance for Hypertrophic cardiomyopathy. Last evaluated: 2025-03-04. Review status: criteria provided, single submitter. Criteria: Invitae Variant Classification Sherloc (09022015). Collection method: clinical testing. Allele origin: germline.
Comment: This sequence change replaces threonine, which is neutral and polar, with serine, which is neutral and polar, at codon 1266 of the MYH7 protein (p.Thr1266Ser). This variant is not present in population databases (gnomAD no frequency). This variant has not been reported in the literature in individuals affected with MYH7-related conditions. ClinVar contains an entry for this variant (Variation ID: 2433926). Invitae Evidence Modeling of protein sequence and biophysical properties (such as structural, functional, and spatial information, amino acid conservation, physicochemical variation, residue mobility, and thermodynamic stability) indicates that this missense variant is not expected to disrupt MYH7 protein function with a negative predictive value of 95%. In summary, the available evidence is currently insufficient to determine the role of this variant in disease. Therefore, it has been classified as a Variant of Uncertain Significance.

All of Us Research Program, National Institutes of Health
Classification: Uncertain significance for Cardiomyopathy. Last evaluated: 2023-06-08. Review status: criteria provided, single submitter. Criteria: ACMG Guidelines, 2015. Collection method: clinical testing. Allele origin: germline. Inheritance: Autosomal dominant inheritance. Observed: 1 variant allele, 1 heterozygote.
Comment: This missense variant replaces threonine with serine at codon 1266 of the MYH7 protein. Computational prediction suggests that this variant may not impact protein structure and function (internally defined REVEL score threshold <= 0.5, PMID: 27666373). To our knowledge, functional studies have not been reported for this variant. This variant has not been reported in individuals affected with MYH7-related disorders in the literature. This variant has not been identified in the general population by the Genome Aggregation Database (gnomAD). The available evidence is insufficient to determine the role of this variant in disease conclusively. Therefore, this variant is classified as a Variant of Uncertain Significance.

This study involves interpretation of variants in research participants for the purpose of population health screening. Participant phenotype was not available at the time of variant classification. Additional details can be found in publication PMID: 35346344, PMCID: PMC8962531

Revvity Omics, Revvity
Classification: Uncertain significance. Last evaluated: 2019-11-22. Review status: criteria provided, single submitter. Criteria: ACMG Guidelines, 2015. Collection method: clinical testing. Allele origin: germline.